The following is an entry in ClinVar:

NM_000059.4(BRCA2):c.3599del (p.Cys1200fs)

Gene: BRCA2 (BRCA2 DNA repair associated; plus strand). Cytogenetic location: 13q13.1.
Variant type: Deletion.
Coding change: c.3599del on transcript NM_000059.4 (MANE Select); coding-DNA position 3599, one base deleted (G; older notation c.3599delG).
Protein change: p.Cys1200fs; shifts the reading frame from cysteine 1200.
Molecular consequence: frameshift variant.
Genome position (GRCh38, 1-based): chr13:32,337,954, G deleted. VCF-style (leftmost placement, unchanged base first): chr13-32337953-TG-T. GRCh37 (hg19) VCF-style: chr13-32912090-TG-T.
Other names: c.3599delG (NM_000059.3); short protein forms C1200fs.
Identifiers: ClinVar variation 254519 (VCV000254519.4), dbSNP rs886038089, ClinGen allele CA10586511.

ClinVar aggregate classification (germline): Pathogenic (3 of 4 stars; one submission).

Conditions:
Breast-ovarian cancer, familial, susceptibility to, 2 (BROVCA2). Also called: BRCA2 Hereditary Breast and Ovarian Cancer. Identifiers: Orphanet 145, MedGen C2675520, MONDO:0012933, OMIM 612555. Disease mechanism: loss of function.

Submission:

Evidence-based Network for the Interpretation of Germline Mutant Alleles (ENIGMA)
Classification: Pathogenic for Breast-ovarian cancer, familial, susceptibility to, 2. Last evaluated: 2016-09-08. Review status: reviewed by expert panel. Criteria: ENIGMA BRCA1/2 Classification Criteria (2015). Collection method: curation. Allele origin: germline.
Comment: Variant allele predicted to encode a truncated non-functional protein.